The following is an entry in ClinVar:

NM_014727.3(KMT2B):c.5076+6C>T

Gene: KMT2B (lysine methyltransferase 2B; plus strand). Cytogenetic location: 19q13.12.
Variant type: single nucleotide variant.
Coding change: c.5076+6C>T on transcript NM_014727.3 (MANE Select); 6 bases into the intron after coding-DNA position 5076, C replaced by T.
Molecular consequence: intron variant.
Genome position (GRCh38, 1-based): chr19:35,730,131, C>T. VCF-style: chr19-35730131-C-T. GRCh37 (hg19) VCF-style: chr19-36221032-C-T.
Identifiers: ClinVar variation 2192414 (VCV002192414.4), dbSNP rs765174178, ClinGen allele CA9385281.

ClinVar aggregate classification (germline): Uncertain significance (1 of 4 stars; one submission).

Allele frequency attached by ClinVar (database versions not stated): ExAC 0.00001; gnomAD 0.00001; gnomAD exomes 0.00001; TOPMed 0.00001.
gnomAD v4.1: 21 of 1,613,404 alleles (0.0013%); highest among the groups gnomAD compares: East Asian, 0.022%; no homozygotes.

Submission:

Labcorp Genetics (formerly Invitae), Labcorp
Classification: Uncertain significance. Last evaluated: 2025-04-22. Review status: criteria provided, single submitter. Criteria: Invitae Variant Classification Sherloc (09022015). Collection method: clinical testing. Allele origin: germline.
Comment: This sequence change falls in intron 23 of the KMT2B gene. It does not directly change the encoded amino acid sequence of the KMT2B protein. It affects a nucleotide within the consensus splice site. This variant is present in population databases (rs765174178, gnomAD 0.0009%). This variant has not been reported in the literature in individuals affected with KMT2B-related conditions. ClinVar contains an entry for this variant (Variation ID: 2192414). Variants that disrupt the consensus splice site are a relatively common cause of aberrant splicing (PMID: 17576681, 9536098). Algorithms developed to predict the effect of sequence changes on RNA splicing suggest that this variant is not likely to affect RNA splicing. In summary, the available evidence is currently insufficient to determine the role of this variant in disease. Therefore, it has been classified as a Variant of Uncertain Significance.

Literature cited by the submitters: PubMed 17576681; PubMed 9536098.